The following is an entry in ClinVar:

NM_004817.4(TJP2):c.1877C>G (p.Thr626Ser)

Gene: TJP2 (tight junction protein 2; plus strand). Cytogenetic location: 9q21.11.
Variant type: single nucleotide variant.
Coding change: c.1877C>G on transcript NM_004817.4 (MANE Select); coding-DNA position 1877, C replaced by G.
Protein change: p.Thr626Ser; replaces threonine 626 with serine.
Molecular consequence: missense variant.
Genome position (GRCh38, 1-based): chr9:69,236,124, C>G. VCF-style: chr9-69236124-C-G. GRCh37 (hg19) VCF-style: chr9-71851040-C-G.
Other names: c.1808C>G, p.Thr603Ser (NM_001170414.2, NM_001369871.1); c.1889C>G, p.Thr630Ser (NM_001170415.1, NM_001369874.1, NM_001369875.1); c.1970C>G, p.Thr657Ser (NM_001170416.2); c.1802C>G, p.Thr601Ser (NM_001369870.1); c.1877C>G, p.Thr626Ser (NM_001369872.1, NM_001369873.1, NM_201629.3); short protein forms T626S, T603S, T601S, T630S, T657S.
Identifiers: ClinVar variation 44093 (VCV000044093.64), dbSNP rs149911553, ClinGen allele CA133546.

ClinVar aggregate classification (germline): Conflicting classifications of pathogenicity. Review status: criteria provided, conflicting classifications (1 of 4 stars). 8 submissions from 8 submitters: Uncertain significance (1); Likely benign (6). 1 of the submissions does not count toward it. Last evaluated 2026-01-26.

Conditions:
TJP2-related disorder. Also called: TJP2-related condition.

Allele frequency attached by ClinVar (database versions not stated): TOPMed 0.00087; gnomAD exomes 0.00101; gnomAD 0.00103 and 0.00110; ESP Exome Variant Server 0.00115.
gnomAD v4.1: 2,181 of 1,614,170 alleles (0.14%); highest among the groups gnomAD compares: Non-Finnish European, 0.17%; 3 homozygotes.

Submissions (8):

Dasa
Classification: Likely benign. Last evaluated: 2026-01-26. Review status: criteria provided, single submitter. Criteria: DASA Assertion Criteria. Collection method: clinical testing. Allele origin: germline.
Comment: NM_004817.4(TJP2):c.1877C>G (p.Thr626Ser) is a missense variant that results in the substitution of threonine with serine. Population frequency is inconsistent with a disease-causing role for this variant. Computational prediction algorithms are consistent with a benign effect. Therefore, based on the currently available evidence, this variant is classified as likely benign.

Labcorp Genetics (formerly Invitae), Labcorp
Classification: Likely benign. Last evaluated: 2025-12-15. Review status: criteria provided, single submitter. Criteria: Invitae Variant Classification Sherloc (09022015). Collection method: clinical testing. Allele origin: germline.

Blueprint Genetics
Classification: Likely benign. Last evaluated: 2024-11-21. Review status: criteria provided, single submitter. Criteria: ACMG Guidelines, 2015. Collection method: clinical testing. Allele origin: germline.

GeneDx
Classification: Likely benign. Last evaluated: 2020-12-02. Review status: criteria provided, single submitter. Criteria: GeneDx Variant Classification Process June 2021. Collection method: clinical testing. Allele origin: germline. Affected: yes.
Comment: This variant is associated with the following publications: (PMID: 32089630, 28924228)

CeGaT Center for Human Genetics Tuebingen
Classification: Uncertain significance. Last evaluated: 2018-08-01. Review status: criteria provided, single submitter. Criteria: CeGaT Center For Human Genetics Tuebingen Variant Classification Criteria Version 2. Collection method: clinical testing. Allele origin: germline. Affected: yes. Observed: 1 variant allele.

Eurofins Ntd Llc (ga)
Classification: Likely benign. Last evaluated: 2014-11-17. Review status: criteria provided, single submitter. Criteria: EGL Classification Definitions 2015. Collection method: clinical testing. Allele origin: germline. Observed: 1 variant allele, 1 heterozygote.

Laboratory for Molecular Medicine, Mass General Brigham Personalized Medicine
Classification: Likely benign. Last evaluated: 2013-01-17. Review status: criteria provided, single submitter. Criteria: LMM Criteria. Collection method: clinical testing. Allele origin: germline. Observed: 2 variant alleles.
Comment: Thr603Ser in exon 14 of TJP2: This variant is not expected to have clinical sign ificance because it has been identified in 0.2% (14/8600) of European American c hromosomes chromosomes from a broad population by the NHLBI Exome Sequencing Pro ject (dbSNP rs149911553) and this amino acid position is not evolutionarily conserved in mammals.

PreventionGenetics, part of Exact Sciences
Classification: Likely benign for TJP2-related condition. Last evaluated: 2024-04-12. Review status: no assertion criteria provided. Collection method: clinical testing. Allele origin: germline. Not counted in ClinVar's aggregate classification.
Comment: This variant is classified as likely benign based on ACMG/AMP sequence variant interpretation guidelines (Richards et al. 2015 PMID: 25741868, with internal and published modifications).